The following is an entry in ClinVar:

ClinVar aggregate classification (germline): Uncertain significance (1 of 4 stars; one submission).

Conditions:
Microcephaly, seizures, and developmental delay. Identifiers: Orphanet 1934, MedGen C3150667, MONDO:0013254, OMIM 613402.

Submission:

Victorian Clinical Genetics Services, Murdoch Childrens Research Institute
Classification: Uncertain significance for Microcephaly, seizures, and developmental delay. Last evaluated: 2024-11-27. Review status: criteria provided, single submitter. Criteria: ACMG Guidelines, 2015. Collection method: clinical testing. Allele origin: germline. Affected: yes.
Comment: This variant is classified as VUS-3A. Evidence in support of pathogenic classification: Variant is present in gnomAD <0.01 for a recessive condition (v4: 11 heterozygote(s), 0 homozygote(s)); Another missense variant comparable to the one identified in this case has limited previous evidence for pathogenicity. p.(Pro343Leu) has been identified in a compound heterozygous individual with microcephaly, seizures, and developmental delay (PMID: 29243230); Heterozygous variant detected in trans with a PATHOGENIC heterozygous variant (NM_007254.4(PNKP):c.1029+2T>C) in a recessive disease. Additional information: Variant is predicted to result in a missense amino acid change from proline to serine; This variant is heterozygous; This gene is associated with autosomal recessive disease; An alternative amino acid change at the same position has been observed in gnomAD (v2: 1 heterozygote(s), 0 homozygote(s)); This variant has no previous evidence of pathogenicity; No published segregation evidence has been identified for this variant; No published functional evidence has been identified for this variant; Variant is not located in an established domain, motif, hotspot or informative constraint region; Missense variant with conflicting in silico predictions and uninformative conservation; Loss of function is a known mechanism of disease in this gene and is associated with ataxia-oculomotor apraxia 4 (MIM#616267), and microcephaly, seizures, and developmental delay (MIM#613402).

Literature cited by the submitters: PubMed 29243230.

NM_007254.4(PNKP):c.1027C>T (p.Pro343Ser)

Gene: PNKP (polynucleotide kinase 3'-phosphatase; minus strand). Cytogenetic location: 19q13.33.
Variant type: single nucleotide variant.
Coding change: c.1027C>T on transcript NM_007254.4 (MANE Select); coding-DNA position 1027, C replaced by T.
Protein change: p.Pro343Ser; replaces proline 343 with serine.
Molecular consequence: missense variant.
Genome position (GRCh38, 1-based): chr19:49,862,373, G>A on the plus strand (C>T on the coding strand, the complement: PNKP is on the minus strand). VCF-style: chr19-49862373-G-A. GRCh37 (hg19) VCF-style: chr19-50365630-G-A.
Other names: short protein forms P343S.
Identifiers: ClinVar variation 4531735 (VCV004531735.1).